The following is an entry in ClinVar:

NM_020461.4(TUBGCP6):c.3799A>G (p.Asn1267Asp)

Gene: TUBGCP6 (tubulin gamma complex component 6; minus strand). Cytogenetic location: 22q13.33.
Variant type: single nucleotide variant.
Coding change: c.3799A>G on transcript NM_020461.4 (MANE Select); coding-DNA position 3799, A replaced by G.
Protein change: p.Asn1267Asp; replaces asparagine 1267 with aspartic acid.
Molecular consequence: missense variant.
Genome position (GRCh38, 1-based): chr22:50,220,560, T>C on the plus strand (A>G on the coding strand, the complement: TUBGCP6 is on the minus strand). VCF-style: chr22-50220560-T-C. GRCh37 (hg19) VCF-style: chr22-50658989-T-C.
Other names: short protein forms N1267D.
Identifiers: ClinVar variation 2653370 (VCV002653370.24), dbSNP rs2519133094, ClinGen allele CA412178506.

ClinVar aggregate classification (germline): Uncertain significance (1 of 4 stars; one submission).

Submission:

CeGaT Center for Human Genetics Tuebingen
Classification: Uncertain significance. Last evaluated: 2022-06-01. Review status: criteria provided, single submitter. Criteria: CeGaT Center For Human Genetics Tuebingen Variant Classification Criteria Version 2. Collection method: clinical testing. Allele origin: germline. Affected: yes. Observed: 1 variant allele.
Comment: TUBGCP6: PM2, PP3